The following is an entry in ClinVar:

ClinVar aggregate classification (germline): Uncertain significance (1 of 4 stars; one submission).

Submission:

GeneDx
Classification: Uncertain significance. Last evaluated: 2026-01-23. Review status: criteria provided, single submitter. Criteria: GeneDx Variant Classification Process June 2021. Collection method: clinical testing. Allele origin: germline.
Comment: Has not been previously published as pathogenic or benign to our knowledge; Not observed at significant frequency in large population cohorts (gnomAD); In silico analysis supports that this missense variant has a deleterious effect on protein structure/function

NM_005120.3(MED12):c.4630T>C (p.Phe1544Leu)

Gene: MED12 (mediator complex subunit 12; plus strand). Cytogenetic location: Xq13.1.
Variant type: single nucleotide variant.
Coding change: c.4630T>C on transcript NM_005120.3 (MANE Select); coding-DNA position 4630, T replaced by C.
Protein change: p.Phe1544Leu; replaces phenylalanine 1544 with leucine.
Molecular consequence: missense variant.
Genome position (GRCh38, 1-based): chrX:71,134,369, T>C. VCF-style: chrX-71134369-T-C. GRCh37 (hg19) VCF-style: chrX-70354219-T-C.
Other names: short protein forms F1544L.
Identifiers: ClinVar variation 3370201 (VCV003370201.2).